The following is an entry in ClinVar:

ClinVar aggregate classification (germline): Uncertain significance. Review status: criteria provided, multiple submitters, no conflicts (2 of 4 stars). 2 submissions from 2 submitters: Uncertain significance (2). Last evaluated 2024-08-31.

Conditions:
Autosomal recessive limb-girdle muscular dystrophy type 2W (MDRCMTT). Also called: Muscular dystrophy, limb-girdle, type 2W; Muscular dystrophy, autosomal recessive, with cardiomyopathy and triangular tongue. Identifiers: MedGen C4225192, MONDO:0014788, OMIM 616827.

Allele frequency attached by ClinVar (database versions not stated): ExAC 0.00002; TOPMed 0.00002; gnomAD exomes 0.00003.

Submissions (2):

Labcorp Genetics (formerly Invitae), Labcorp
Classification: Uncertain significance for Autosomal recessive limb-girdle muscular dystrophy type 2W. Last evaluated: 2024-08-31. Review status: criteria provided, single submitter. Criteria: Invitae Variant Classification Sherloc (09022015). Collection method: clinical testing. Allele origin: germline.
Comment: This sequence change replaces asparagine, which is neutral and polar, with serine, which is neutral and polar, at codon 116 of the LIMS2 protein (p.Asn116Ser). This variant is present in population databases (rs766178392, gnomAD 0.03%). This variant has not been reported in the literature in individuals affected with LIMS2-related conditions. ClinVar contains an entry for this variant (Variation ID: 1523745). Invitae Evidence Modeling of protein sequence and biophysical properties (such as structural, functional, and spatial information, amino acid conservation, physicochemical variation, residue mobility, and thermodynamic stability) indicates that this missense variant is not expected to disrupt LIMS2 protein function with a negative predictive value of 80%. In summary, the available evidence is currently insufficient to determine the role of this variant in disease. Therefore, it has been classified as a Variant of Uncertain Significance.

Ambry Genetics
Classification: Uncertain significance. Last evaluated: 2023-09-22. Review status: criteria provided, single submitter. Criteria: Ambry Variant Classification Scheme 2023. Collection method: clinical testing. Allele origin: germline.

NM_001161403.3(LIMS2):c.281A>G (p.Asn94Ser)

Gene: LIMS2 (LIM zinc finger domain containing 2; minus strand). Cytogenetic location: 2q14.3.
Variant type: single nucleotide variant.
Coding change: c.281A>G on transcript NM_001161403.3 (MANE Select); coding-DNA position 281, A replaced by G.
Protein change: p.Asn94Ser; replaces asparagine 94 with serine.
Molecular consequence: missense variant.
Genome position (GRCh38, 1-based): chr2:127,654,502, T>C on the plus strand (A>G on the coding strand, the complement: LIMS2 is on the minus strand). VCF-style: chr2-127654502-T-C. GRCh37 (hg19) VCF-style: chr2-128412076-T-C.
Other names: c.353A>G (NM_017980.4); c.347A>G, p.Asn116Ser (NM_001136037.4); c.266A>G, p.Asn89Ser (NM_001161404.2); c.353A>G, p.Asn118Ser (NM_017980.5); short protein forms N89S, N118S, N116S, N94S.
Identifiers: ClinVar variation 1523745 (VCV001523745.7), dbSNP rs766178392, ClinGen allele CA1863464.